The following is an entry in ClinVar:

NM_002692.4(POLE2):c.1166del (p.Phe389fs)

Gene: POLE2 (DNA polymerase epsilon 2, accessory subunit; minus strand). Cytogenetic location: 14q21.3.
Variant type: Deletion.
Coding change: c.1166del on transcript NM_002692.4 (MANE Select); coding-DNA position 1166, one base deleted (T; older notation c.1166delT).
Protein change: p.Phe389fs; shifts the reading frame from phenylalanine 389.
Molecular consequence: frameshift variant.
Genome position (GRCh38, 1-based): chr14:49,654,035, A deleted on the plus strand (T on the coding strand, the reverse complement: POLE2 is on the minus strand); the first of 2 consecutive A bases (chr14:49,654,035-49,654,036); deleting either gives the same sequence. VCF-style (leftmost placement, unchanged base first): chr14-49654034-GA-G. GRCh37 (hg19) VCF-style: chr14-50120752-GA-G.
Other names: c.1088del, p.Phe363fs (NM_001197330.2); c.1166del, p.Phe389fs (NM_001197331.3); c.1163del, p.Phe388fs (NM_001348384.2); c.935del, p.Phe312fs (NM_001348385.2); short protein forms F312fs, F363fs, F388fs, F389fs.
Identifiers: ClinVar variation 2035114 (VCV002035114.4), dbSNP rs2502824495, ClinGen allele CA2580088144.
Genomic context (GRCh38, chr14:49,654,034, plus strand): 5'-AAATACTAATTCTTACCTGCAAGGATTAGTAGTAAAAACTGAAAATGGTACCCTTTGTCT[GA>G]ATTCATTAGTGATGCTTTCAGCAAGTGGTGGCCTATAAAAACAATTTATGTGATATAGTT-3'

ClinVar aggregate classification (germline): Uncertain significance (1 of 4 stars; one submission).

Submission:

Labcorp Genetics (formerly Invitae), Labcorp
Classification: Uncertain significance. Last evaluated: 2022-10-10. Review status: criteria provided, single submitter. Criteria: Invitae Variant Classification Sherloc (09022015). Collection method: clinical testing. Allele origin: germline.
Comment: In summary, the available evidence is currently insufficient to determine the role of this variant in disease. Therefore, it has been classified as a Variant of Uncertain Significance. This variant has not been reported in the literature in individuals affected with POLE2-related conditions. This variant is not present in population databases (gnomAD no frequency). This sequence change creates a premature translational stop signal (p.Phe389Serfs*31) in the POLE2 gene. It is expected to result in an absent or disrupted protein product. However, the current clinical and genetic evidence is not sufficient to establish whether loss-of-function variants in POLE2 cause disease.